The following is an entry in ClinVar:

NM_001267550.2(TTN):c.9718dup (p.Gln3240fs)

Gene: TTN (titin; minus strand). Cytogenetic location: 2q31.2.
Variant type: Duplication.
Coding change: c.9718dup on transcript NM_001267550.2 (MANE Select); coding-DNA position 9718, one base duplicated (C; older notation c.9718dupC).
Protein change: p.Gln3240fs; shifts the reading frame from glutamine 3240.
Molecular consequence: frameshift variant.
Genome position (GRCh38, 1-based): chr2:178,764,797, G duplicated on the plus strand (C on the coding strand, the reverse complement: TTN is on the minus strand); the first of 4 consecutive G bases (chr2:178,764,797-178,764,800); duplicating any one gives the same sequence. VCF-style (leftmost placement, unchanged base first): chr2-178764796-T-TG. GRCh37 (hg19) VCF-style: chr2-179629523-T-TG.
Other names: c.9718dup, p.Gln3240fs (NM_001256850.1, NM_133378.4, NM_133379.5); c.9580dup, p.Gln3194fs (NM_003319.4, NM_133432.3, NM_133437.4); short protein forms Q3194fs, Q3240fs.
Identifiers: ClinVar variation 2949446 (VCV002949446.3), dbSNP rs2532193100, ClinGen allele CA2740096287.

ClinVar aggregate classification (germline): Likely pathogenic (1 of 4 stars; one submission).

Conditions:
Dilated cardiomyopathy 1G (CMD1G). Identifiers: Orphanet 154, MedGen C1858763, MONDO:0011400, OMIM 604145.
Autosomal recessive limb-girdle muscular dystrophy type 2J (LGMDR10). Also called: Limb-girdle muscular dystrophy, type 2J; MUSCULAR DYSTROPHY, LIMB-GIRDLE, AUTOSOMAL RECESSIVE 10. Identifiers: Orphanet 140922, MedGen C1837342, MONDO:0012127, OMIM 608807.

Submission:

Labcorp Genetics (formerly Invitae), Labcorp
Classification: Likely pathogenic for Dilated cardiomyopathy 1G; Autosomal recessive limb-girdle muscular dystrophy type 2J. Last evaluated: 2024-10-18. Review status: criteria provided, single submitter. Criteria: Invitae Variant Classification Sherloc (09022015). Collection method: clinical testing. Allele origin: germline.
Comment: This sequence change creates a premature translational stop signal (p.Gln3240Profs*51) in the TTN gene. While this is not anticipated to result in nonsense mediated decay, it is expected to create a truncated TTN protein. This variant is not present in population databases (gnomAD no frequency). This variant has not been reported in the literature in individuals affected with TTN-related conditions. This variant is located in the I band of TTN (PMID: 25589632). Truncating variants in this region have been reported in individuals affected with autosomal recessive centronuclear myopathy (PMID: 23975875, internal data). Truncating variants in this region have also been identified in individuals affected with autosomal dominant dilated cardiomyopathy and/or cardio-related conditions (PMID: 27869827, 32964742, internal data). In summary, the currently available evidence indicates that the variant is pathogenic, but additional data are needed to prove that conclusively. Therefore, this variant has been classified as Likely Pathogenic.

Literature cited by the submitters: PubMed 25589632; PubMed 23975875; PubMed 27869827; PubMed 32964742.